The following is an entry in ClinVar:

NM_005137.3(DGCR2):c.1105C>T (p.His369Tyr)

Gene: DGCR2 (DiGeorge syndrome critical region gene 2; minus strand). Cytogenetic location: 22q11.21.
Variant type: single nucleotide variant.
Coding change: c.1105C>T on transcript NM_005137.3 (MANE Select); coding-DNA position 1105, C replaced by T.
Protein change: p.His369Tyr; replaces histidine 369 with tyrosine.
Molecular consequence: missense variant. On other transcripts: non-coding transcript variant (1).
Genome position (GRCh38, 1-based): chr22:19,041,861, G>A on the plus strand (C>T on the coding strand, the complement: DGCR2 is on the minus strand). VCF-style: chr22-19041861-G-A. GRCh37 (hg19) VCF-style: chr22-19029374-G-A.
Other names: c.982C>T, p.His328Tyr (NM_001173533.2); c.973C>T, p.His325Tyr (NM_001173534.2); c.1096C>T, p.His366Tyr (NM_001184781.2); short protein forms H325Y, H328Y, H366Y, H369Y.
Identifiers: ClinVar variation 4820817 (VCV004820817.4).
Genomic context (GRCh38, chr22:19,041,861, plus strand): 5'-ACTTACAGTTTGCTCCAATCAGGGACTCGATGCGCTCCCGGCGCCGCTGGCGCAGCCGGT[G>A]GACCATGAAGAGCAGCAGTGACAGGATGAGGAAGGAGGAGATGCAGCTGACGACCAGGCG-3'
Protein context (NP_005128.1, residues 359-379): LILSLLLFMV[His369Tyr]RLRQRRRERI

ClinVar aggregate classification (germline): Likely benign (1 of 4 stars; one submission).

gnomAD v4.1: 1,375 of 1,613,212 alleles (0.085%); highest among the groups gnomAD compares: Non-Finnish European, 0.11%; 1 homozygote.

Submission:

CeGaT Center for Human Genetics Tuebingen
Classification: Likely benign. Last evaluated: 2026-02-01. Review status: criteria provided, single submitter. Criteria: CeGaT Center For Human Genetics Tuebingen Variant Classification Criteria Version 2. Collection method: clinical testing. Allele origin: germline. Affected: yes. Observed: 1 variant allele.
Comment: DGCR2: PP3, BS2